The following is an entry in ClinVar:

NC_000003.12:g.169764869G>C

Genes: TERC (telomerase RNA component; minus strand), LOC110806306 (telomerase RNA component (TERC) promoter; plus strand). Cytogenetic location: 3q26.2.
Variant type: single nucleotide variant.
Genome position: GRCh38 VCF-style: chr3-169764869-G-C. GRCh37 (hg19) VCF-style: chr3-169482657-G-C.
Identifiers: ClinVar variation 2085050 (VCV002085050.4), dbSNP rs1383015695, ClinGen allele CA436715465.

ClinVar aggregate classification (germline): Uncertain significance (1 of 4 stars; one submission).

Conditions:
Dyskeratosis congenita, autosomal dominant 1 (DKCA1). Also called: Dyskeratosis congenita Scoggins type. Identifiers: Orphanet 1775, MedGen C4551974, MONDO:0007485, OMIM 127550. Inheritance: Variable.

Submission:

Labcorp Genetics (formerly Invitae), Labcorp
Classification: Uncertain significance for Dyskeratosis congenita, autosomal dominant 1. Last evaluated: 2022-01-16. Review status: criteria provided, single submitter. Criteria: Invitae Variant Classification Sherloc (09022015). Collection method: clinical testing. Allele origin: germline.
Comment: This variant is located within the hypervariable region that is not conserved in the TERC RNA component (PMID: 10721988, 21844345). The functional significance of this region is not well understood. In summary, the available evidence is currently insufficient to determine the role of this variant in disease. Therefore, it has been classified as a Variant of Uncertain Significance. This variant has not been reported in the literature in individuals affected with TERC-related conditions. This variant is not present in population databases (gnomAD no frequency). This variant occurs in the TERC gene, which encodes an RNA molecule that does not result in a protein product.

Literature cited by the submitters: PubMed 10721988; PubMed 21844345.